The following is an entry in ClinVar:

NM_000260.4(MYO7A):c.2527G>A (p.Val843Met)

Gene: MYO7A (myosin VIIA; plus strand). Cytogenetic location: 11q13.5.
Variant type: single nucleotide variant.
Coding change: c.2527G>A on transcript NM_000260.4 (MANE Select); coding-DNA position 2527, G replaced by A.
Protein change: p.Val843Met; replaces valine 843 with methionine.
Molecular consequence: missense variant.
Genome position (GRCh38, 1-based): chr11:77,179,894, G>A. VCF-style: chr11-77179894-G-A. GRCh37 (hg19) VCF-style: chr11-76890940-G-A.
Other names: c.2527G>A, p.Val843Met (NM_001127180.2); c.2494G>A, p.Val832Met (NM_001369365.1); short protein forms V843M, V832M.
Identifiers: ClinVar variation 43185 (VCV000043185.50), dbSNP rs140559111, ClinGen allele CA132253.
Genomic context (GRCh38, chr11:77,179,894, plus strand): 5'-CGCTGCCGCGCCTATCTGGTGCGCAAGGCCTTCCGCCACCGCCTCTGGGCTGTGCTCACC[G>A]TGCAGGCCTATGCCCGGGGCATGATCGCCCGCAGGCTGCACCAACGCCTCAGGGCTGAGG-3'
Protein context (NP_000251.3, residues 833-853): FRHRLWAVLT[Val843Met]QAYARGMIAR

ClinVar aggregate classification (germline): Uncertain significance. Review status: reviewed by expert panel (3 of 4 stars). 18 submissions from 14 submitters: Uncertain significance (1). 17 of the submissions do not count toward it. Last evaluated 2022-08-03.

Conditions:
MYO7A-related disorder. Also called: MYO7A-related disorders.
Usher syndrome. Also called: Usher Syndromes; Usher's syndrome. Identifiers: Orphanet 886, MedGen CN469326, MeSH D052245, MONDO:0019501. Disease mechanism: loss of function.
Usher syndrome type 1 (USH1). Also called: RETINITIS PIGMENTOSA AND CONGENITAL DEAFNESS. Identifiers: Orphanet 231169, Orphanet 886, MedGen C1568247, MONDO:0010168, OMIM 276900.
Autosomal dominant nonsyndromic hearing loss 11. Identifiers: Orphanet 90635, MedGen C1832475, MONDO:0011032, OMIM 601317.
Autosomal recessive nonsyndromic hearing loss 2. Also called: NEUROSENSORY NONSYNDROMIC RECESSIVE DEAFNESS 2; DEAFNESS, AUTOSOMAL RECESSIVE 2. Identifiers: Orphanet 90636, MedGen C1838701, MONDO:0010807, OMIM 600060.
Usher syndrome type 1B (USH1B). Also called: Usher syndrome type IB. Identifiers: MedGen C1848638, MONDO:0700087.

Allele frequency attached by ClinVar (database versions not stated): TOPMed 0.00022; gnomAD 0.00024 and 0.00025; ESP Exome Variant Server 0.00028; 1000 Genomes Project 30x 0.00062; 1000 Genomes Project 0.00080; ExAC 0.00086.
gnomAD v4.1: 503 of 1,539,718 alleles (0.033%); highest among the groups gnomAD compares: South Asian, 0.082%; 1 homozygote.

Submissions (18):

ClinGen Hearing Loss Variant Curation Expert Panel
Classification: Uncertain significance for Usher syndrome. Last evaluated: 2022-08-03. Review status: reviewed by expert panel. Criteria: Clingen Hl Acmg Specifications Cdh23 Coch Gjb2 Kcnq4 Myo6 Myo7a Slc26a4 Tecta Ush2a V2. Collection method: curation. Allele origin: germline. Inheritance: Autosomal recessive inheritance.
Comment: The c.2527G>A variant in MYO7A is a missense variant predicted to cause substitution of valine by methionine at amino acid 843. The variant is present in 0.0006965 (23/22568) of South Asian alleles with a confidence interval of 95% in gnomAD v2.1.1. The computational predictor REVEL gives a score of 0.25, which is neither above nor below the thresholds predicting a damaging or benign impact on MYO7A function. The variant has been reported in 6 probands, all of whom did not have clinical/phenotypic data, had other potentially pathogenic variants, or did not present with hearing loss (PMID:30755392, GeneDx, EGL Eurofins, Illumina). In summary, this variant meets the criteria to be classified as a variant of uncertain significance for autosomal recessive Usher syndrome based on the absence of ACMG/AMP criteria applied, as specified by the ClinGen Hearing Loss VCEP (ClinGen Hearing Loss VCEP specifications version 2; 7/20/2022).

GeneDx
Classification: Uncertain significance. Last evaluated: 2026-08-06. Review status: criteria provided, single submitter. Criteria: GeneDx Variant Classification Process June 2021. Collection method: clinical testing. Allele origin: germline. Not counted in ClinVar's aggregate classification.
Comment: Identified in one patient with multiple congenital anomalies and no reported hearing loss who also harbored variants in several other genes from a large cohort of patients who underwent WES (PMID: 30755392); In silico analysis suggests that this missense variant does not alter protein structure/function; This variant is associated with the following publications: (PMID: 30755392)

PreventionGenetics, part of Exact Sciences
Classification: Uncertain significance for MYO7A-related condition. Last evaluated: 2026-02-23. Review status: criteria provided, single submitter. Criteria: ACMG Guidelines, 2015. Collection method: clinical testing. Allele origin: germline. Not counted in ClinVar's aggregate classification.
Comment: The MYO7A c.2527G>A variant is predicted to result in the amino acid substitution p.Val843Met. To our knowledge, this variant has not been previously reported in a patient with an established MYO7A-related disorder. This variant is reported in 0.10% of alleles in individuals of South Asian descent in gnomAD, which may be too frequent to be a primary cause of disease. At this time, the clinical significance of this variant is uncertain due to the absence of conclusive functional and genetic evidence.

Labcorp Genetics (formerly Invitae), Labcorp
Classification: Benign. Last evaluated: 2026-02-04. Review status: criteria provided, single submitter. Criteria: Invitae Variant Classification Sherloc (09022015). Collection method: clinical testing. Allele origin: germline. Not counted in ClinVar's aggregate classification.

CeGaT Center for Human Genetics Tuebingen
Classification: Uncertain significance. Last evaluated: 2025-11-01. Review status: criteria provided, single submitter. Criteria: CeGaT Center For Human Genetics Tuebingen Variant Classification Criteria Version 2. Collection method: clinical testing. Allele origin: germline. Affected: yes. Observed: 2 variant alleles. Not counted in ClinVar's aggregate classification.

Blueprint Genetics
Classification: Uncertain significance. Last evaluated: 2024-10-16. Review status: criteria provided, single submitter. Criteria: ACMG Guidelines, 2015. Collection method: clinical testing. Allele origin: germline. Not counted in ClinVar's aggregate classification.

Fulgent Genetics
Classification: Uncertain significance for Usher syndrome type 1; Autosomal recessive nonsyndromic hearing loss 2; Autosomal dominant nonsyndromic hearing loss 11. Last evaluated: 2022-02-07. Review status: criteria provided, single submitter. Criteria: ACMG Guidelines, 2015. Collection method: clinical testing. Allele origin: unknown. Not counted in ClinVar's aggregate classification.

Genome-Nilou Lab
Classification: Uncertain significance for Autosomal dominant nonsyndromic hearing loss 11. Last evaluated: 2021-07-14. Review status: criteria provided, single submitter. Criteria: ACMG Guidelines, 2015. Collection method: clinical testing. Allele origin: germline. Affected: no. Not counted in ClinVar's aggregate classification.

Genome-Nilou Lab
Classification: Uncertain significance for Autosomal recessive nonsyndromic hearing loss 2. Last evaluated: 2021-07-14. Review status: criteria provided, single submitter. Criteria: ACMG Guidelines, 2015. Collection method: clinical testing. Allele origin: germline. Affected: no. Not counted in ClinVar's aggregate classification.

Genome-Nilou Lab
Classification: Uncertain significance for Usher syndrome type 1. Last evaluated: 2021-07-14. Review status: criteria provided, single submitter. Criteria: ACMG Guidelines, 2015. Collection method: clinical testing. Allele origin: germline. Affected: no. Not counted in ClinVar's aggregate classification.

Illumina Laboratory Services, Illumina
Classification: Uncertain significance for Autosomal recessive nonsyndromic hearing loss 2. Last evaluated: 2018-01-13. Review status: criteria provided, single submitter. Criteria: ICSL Variant Classification Criteria 13 December 2019. Collection method: clinical testing. Allele origin: germline. Not counted in ClinVar's aggregate classification.

Illumina Laboratory Services, Illumina
Classification: Likely benign for Autosomal dominant nonsyndromic hearing loss 11. Last evaluated: 2018-01-13. Review status: criteria provided, single submitter. Criteria: ICSL Variant Classification Criteria 13 December 2019. Collection method: clinical testing. Allele origin: germline. Not counted in ClinVar's aggregate classification.
Comment: This variant was observed in the ICSL laboratory as part of a predisposition screen in an ostensibly healthy population. It had not been previously curated by ICSL or reported in the Human Gene Mutation Database (HGMD: prior to June 1st, 2018), and was therefore a candidate for classification through an automated scoring system. Utilizing variant allele frequency, disease prevalence and penetrance estimates, and inheritance mode, an automated score was calculated to assess if this variant is too frequent to cause the disease. Based on the score and internal cut-off values, a variant classified as likely benign is not then subjected to further curation. The score for this variant resulted in a classification of likely benign for this disease.

Illumina Laboratory Services, Illumina
Classification: Uncertain significance for Usher syndrome type 1. Last evaluated: 2018-01-13. Review status: criteria provided, single submitter. Criteria: ICSL Variant Classification Criteria 13 December 2019. Collection method: clinical testing. Allele origin: germline. Not counted in ClinVar's aggregate classification.

Laboratory for Molecular Medicine, Mass General Brigham Personalized Medicine
Classification: Uncertain significance. Last evaluated: 2017-10-05. Review status: criteria provided, single submitter. Criteria: LMM Criteria. Collection method: clinical testing. Allele origin: germline. Observed: 3 variant alleles. Not counted in ClinVar's aggregate classification.
Comment: Variant classified as Uncertain Significance - Favor Benign. It has also been identified in 0.1% (23/22644) of South Asian chromosomes and in 72/163744 of the total chromosomes with the highe st frequency of 0.1% (23/22644) in South Asian chromosomes by the Genome Aggrega tion Database (gnomAD; dbSNP rs140559111). Com putational prediction tools and conservation analysis suggest that the p.Val843M et variant may not impact the protein, though this information is not predictive enough to rule out pathogenicity. In summary, the clinical significance of the p.Val843Met variant is uncertain. ACMG/AMP Criteria applied: BP4 (Richards 2015 ).

Eurofins Ntd Llc (ga)
Classification: Uncertain significance. Last evaluated: 2016-10-14. Review status: criteria provided, single submitter. Criteria: EGL Classification Definitions 2015. Collection method: clinical testing. Allele origin: germline. Observed: 1 variant allele, 1 heterozygote. Not counted in ClinVar's aggregate classification.

Natera, Inc.
Classification: Uncertain significance for Usher syndrome type 1B. Last evaluated: 2020-01-27. Review status: no assertion criteria provided. Collection method: clinical testing. Allele origin: germline. Not counted in ClinVar's aggregate classification.

Clinical Genetics DNA and cytogenetics Diagnostics Lab, Erasmus MC, Erasmus Medical Center
Classification: Uncertain significance. Review status: no assertion criteria provided. Collection method: clinical testing. Allele origin: germline. Affected: yes. Study: VKGL Data-share Consensus. Not counted in ClinVar's aggregate classification.

Clinical Genetics, Academic Medical Center
Classification: Uncertain significance. Review status: no assertion criteria provided. Collection method: clinical testing. Allele origin: germline. Affected: yes. Study: VKGL Data-share Consensus. Not counted in ClinVar's aggregate classification.